The following is an entry in ClinVar:

ClinVar aggregate classification (germline): Uncertain significance. Review status: criteria provided, multiple submitters, no conflicts (2 of 4 stars). 8 submissions from 8 submitters: Uncertain significance (8). Last evaluated 2025-06-10.

Conditions:
Hereditary nonpolyposis colorectal neoplasms. Identifiers: MedGen C0009405, MeSH D003123.
Hereditary cancer-predisposing syndrome. Also called: Hereditary neoplastic syndrome; Tumor predisposition; Hereditary Cancer Syndrome; Neoplastic Syndromes, Hereditary. Identifiers: Orphanet 140162, MedGen C0027672, MeSH D009386, MONDO:0015356.
Lynch syndrome. Identifiers: Orphanet 144, MedGen C4552100, MONDO:0005835. Disease mechanism: loss of function.
Lynch syndrome 4 (LYNCH4). Also called: Colorectal cancer, hereditary nonpolyposis, type 4; Hereditary non-polyposis colorectal cancer, type 4. Identifiers: Orphanet 144, MedGen C1838333, MONDO:0013699, OMIM 614337. Disease mechanism: loss of function.

Allele frequency attached by ClinVar (database versions not stated): gnomAD exomes below 0.00001 and 0.00001.
gnomAD v4.1: 3 of 1,614,106 alleles (0.00019%); highest among the groups gnomAD compares: Non-Finnish European, 0.00025%; no homozygotes.

Submissions (8):

Labcorp Genetics (formerly Invitae), Labcorp
Classification: Uncertain significance for Hereditary nonpolyposis colorectal neoplasms. Last evaluated: 2025-06-10. Review status: criteria provided, single submitter. Criteria: Invitae Variant Classification Sherloc (09022015). Collection method: clinical testing. Allele origin: germline.
Comment: This sequence change replaces valine, which is neutral and non-polar, with glycine, which is neutral and non-polar, at codon 214 of the PMS2 protein (p.Val214Gly). This variant is present in population databases (no rsID available, gnomAD 0.0009%). This missense change has been observed in individual(s) with colorectal cancer (PMID: 28596308). ClinVar contains an entry for this variant (Variation ID: 220964). Invitae Evidence Modeling incorporating data from in vitro experimental studies (internal data) indicates that this missense variant is not expected to disrupt PMS2 function with a negative predictive value of 95%. In summary, the available evidence is currently insufficient to determine the role of this variant in disease. Therefore, it has been classified as a Variant of Uncertain Significance.

Women's Health and Genetics/Laboratory Corporation of America, LabCorp
Classification: Uncertain significance. Last evaluated: 2025-03-26. Review status: criteria provided, single submitter. Criteria: LabCorp Variant Classification Summary - May 2015. Collection method: clinical testing. Allele origin: germline.
Comment: Variant summary: PMS2 c.641T>G (p.Val214Gly) results in a non-conservative amino acid change in the encoded protein sequence. Five of five in-silico tools predict a damaging effect of the variant on protein function. The variant allele was found at a frequency of 4e-06 in 251484 control chromosomes. The available data on variant occurrences in the general population are insufficient to allow any conclusion about variant significance. To our knowledge, no occurrence of c.641T>G in individuals affected with Lynch Syndrome and no experimental evidence demonstrating its impact on protein function have been reported. ClinVar contains an entry for this variant (Variation ID: 220964). Based on the evidence outlined above, the variant was classified as uncertain significance.

Quest Diagnostics Nichols Institute San Juan Capistrano
Classification: Uncertain significance. Last evaluated: 2024-11-08. Review status: criteria provided, single submitter. Criteria: Quest Diagnostics criteria. Collection method: clinical testing. Allele origin: unknown.
Comment: The PMS2 c.641T>G (p.Val214Gly) variant has been reported in the published literature in an individual with colorectal cancer (PMID: 28596308 (2017)). This variant has also been identified in a reportedly healthy individual (PMID: 33471991 (2021), see also LOVD). The frequency of this variant in the general population, 0.000004 (1/251484 chromosomes (Genome Aggregation Database)), is uninformative in the assessment of its pathogenicity. Analysis of this variant using bioinformatics tools for the prediction of the effect of amino acid changes on protein structure and function yielded predictions that this variant is damaging. Based on the available information, we are unable to determine the clinical significance of this variant.

All of Us Research Program, National Institutes of Health
Classification: Uncertain significance for Lynch syndrome. Last evaluated: 2024-09-23. Review status: criteria provided, single submitter. Criteria: ACMG Guidelines, 2015. Collection method: clinical testing. Allele origin: germline. Inheritance: Autosomal dominant inheritance. Observed: 2 variant alleles, 2 heterozygotes.
Comment: This missense variant replaces valine with glycine at codon 214 of the PMS2 protein. Computational prediction suggests that this variant may have deleterious impact on protein structure and function (internally defined REVEL score threshold >= 0.7, PMID: 27666373). To our knowledge, functional studies have not been reported for this variant. This variant has not been reported in individuals affected with PMS2-related disorders in the literature. This variant has been identified in 1/251484 chromosomes in the general population by the Genome Aggregation Database (gnomAD). The available evidence is insufficient to determine the role of this variant in disease conclusively. Therefore, this variant is classified as a Variant of Uncertain Significance.

This study involves interpretation of variants in research participants for the purpose of population health screening. Participant phenotype was not available at the time of variant classification. Additional details can be found in publication PMID: 35346344, PMCID: PMC8962531

Color Diagnostics, LLC DBA Color Health
Classification: Uncertain significance for Hereditary cancer-predisposing syndrome. Last evaluated: 2023-12-05. Review status: criteria provided, single submitter. Criteria: ACMG Guidelines, 2015. Collection method: clinical testing. Allele origin: germline.
Comment: This missense variant replaces valine with glycine at codon 214 of the PMS2 protein. Computational prediction suggests that this variant may have deleterious impact on protein structure and function (internally defined REVEL score threshold >= 0.7, PMID: 27666373). To our knowledge, functional studies have not been reported for this variant. This variant has not been reported in individuals affected with PMS2-related disorders in the literature. This variant has been identified in 1/251484 chromosomes in the general population by the Genome Aggregation Database (gnomAD). The available evidence is insufficient to determine the role of this variant in disease conclusively. Therefore, this variant is classified as a Variant of Uncertain Significance.

Ambry Genetics
Classification: Uncertain significance for Hereditary cancer-predisposing syndrome. Last evaluated: 2023-10-17. Review status: criteria provided, single submitter. Criteria: Ambry Variant Classification Scheme 2023. Collection method: clinical testing. Allele origin: germline.
Comment: The p.V214G variant (also known as c.641T>G), located in coding exon 6 of the PMS2 gene, results from a T to G substitution at nucleotide position 641. The valine at codon 214 is replaced by glycine, an amino acid with dissimilar properties. This amino acid position is well conserved in available vertebrate species. In addition, this alteration is predicted to be deleterious by in silico analysis. Since supporting evidence is limited at this time, the clinical significance of this alteration remains unclear.

Baylor Genetics
Classification: Uncertain significance for Lynch syndrome 4. Last evaluated: 2023-08-04. Review status: criteria provided, single submitter. Criteria: ACMG Guidelines, 2015. Collection method: clinical testing. Allele origin: unknown.

GeneDx
Classification: Uncertain significance. Last evaluated: 2018-10-11. Review status: criteria provided, single submitter. Criteria: GeneDx Variant Classification (06012015). Collection method: clinical testing. Allele origin: germline. Affected: yes.
Comment: This variant is denoted PMS2 c.641T>G at the cDNA level, p.Val214Gly (V214G) at the protein level, and results in the change of a Valine to a Glycine (GTG>GGG). This variant has been reported in at least one individual with mismatch repair-deficient colorectal cancer (Le 2017). PMS2 Val214Gly was not observed at a significant allele frequency in large population cohorts (Lek 2016). This variant is located in the ATPase domain (Guarne 2001). In silico analysis, which includes protein predictors and evolutionary conservation, supports a deleterious effect. Based on currently available evidence, it is unclear whether PMS2 Val214Gly is a pathogenic or benign variant. We consider it to be a variant of uncertain significance.

Literature cited by the submitters: PubMed 28596308 (cited by Labcorp Genetics (formerly Invitae), Labcorp and Quest Diagnostics Nichols Institute San Juan Capistrano); PubMed 33471991 (cited by Quest Diagnostics Nichols Institute San Juan Capistrano).

NM_000535.7(PMS2):c.641T>G (p.Val214Gly)

Gene: PMS2 (PMS1 homolog 2, mismatch repair system component; minus strand). Cytogenetic location: 7p22.1.
Variant type: single nucleotide variant.
Coding change: c.641T>G on transcript NM_000535.7 (MANE Select); coding-DNA position 641, T replaced by G.
Protein change: p.Val214Gly; replaces valine 214 with glycine.
Molecular consequence: missense variant. On other transcripts: 5 prime UTR variant (2), non-coding transcript variant (1), intron variant (1).
Genome position (GRCh38, 1-based): chr7:5,999,172, A>C on the plus strand (T>G on the coding strand, the complement: PMS2 is on the minus strand). VCF-style: chr7-5999172-A-C. GRCh37 (hg19) VCF-style: chr7-6038803-A-C.
Other names: c.236T>G, p.Val79Gly (NM_001322003.2, NM_001322004.2, NM_001322005.2 and 2 more transcripts); c.641T>G, p.Val214Gly (NM_001322006.2, NM_001322014.2); c.323T>G, p.Val108Gly (NM_001322007.2, NM_001322008.2); c.-293T>G (NM_001322011.2, NM_001322012.2); c.332T>G, p.Val111Gly (NM_001322015.2); c.133-1749T>G (NM_001322013.2); short protein forms V214G, V111G, V79G, V108G.
Identifiers: ClinVar variation 220964 (VCV000220964.23), dbSNP rs864622706, ClinGen allele CA350855.